The following is an entry in ClinVar:

ClinVar aggregate classification (germline): Conflicting classifications of pathogenicity. Review status: criteria provided, conflicting classifications (1 of 4 stars). 2 submissions from 2 submitters: Uncertain significance (1); Likely benign (1). Last evaluated 2025-08-29.

Conditions:
Neuropathy, hereditary sensory and autonomic, type 2A (HSAN2A). Also called: MORVAN DISEASE; NEUROPATHY, CONGENITAL SENSORY; NEUROPATHY, HEREDITARY SENSORY RADICULAR, AUTOSOMAL RECESSIVE; NEUROPATHY, HEREDITARY SENSORY, TYPE IIA; NEUROPATHY, PROGRESSIVE SENSORY, OF CHILDREN; WNK1-Related HSAN2 (HSAN2A). Identifiers: Orphanet 970, MedGen C2752089, MONDO:0024309, OMIM 201300.
Pseudohypoaldosteronism type 2C (PHA2C). Also called: Pseudohypoaldosteronism Type IIC. Identifiers: Orphanet 757, Orphanet 88940, MedGen C1840391, MONDO:0013778, OMIM 614492.

Allele frequency attached by ClinVar (database versions not stated): gnomAD exomes 0.00002 and 0.00007; TOPMed 0.00003; gnomAD 0.00004 and 0.00005.

Submissions (2):

Mayo Clinic Laboratories, Mayo Clinic
Classification: Likely benign. Last evaluated: 2025-08-29. Review status: criteria provided, single submitter. Criteria: ACMG Guidelines, 2015. Collection method: clinical testing. Allele origin: germline. Observed: 1 variant allele.

Labcorp Genetics (formerly Invitae), Labcorp
Classification: Uncertain significance for Neuropathy, hereditary sensory and autonomic, type 2A; Pseudohypoaldosteronism type 2C. Last evaluated: 2024-05-13. Review status: criteria provided, single submitter. Criteria: Invitae Variant Classification Sherloc (09022015). Collection method: clinical testing. Allele origin: germline.
Comment: This sequence change creates a premature translational stop signal (p.Phe741Leufs*30) in the WNK1 gene. However, it is currently unclear if variants that occur in this region of the gene cause disease. This variant is present in population databases (no rsID available, gnomAD 0.01%). This variant has not been reported in the literature in individuals affected with WNK1-related conditions. ClinVar contains an entry for this variant (Variation ID: 1039744). In summary, the available evidence is currently insufficient to determine the role of this variant in disease. Therefore, it has been classified as a Variant of Uncertain Significance.

Literature cited by the submitters: PubMed 22701532 (cited by Mayo Clinic Laboratories, Mayo Clinic); PubMed 25025039 (cited by Mayo Clinic Laboratories, Mayo Clinic).

NM_213655.5(WNK1):c.2219dup (p.Phe741fs)

Gene: WNK1 (WNK lysine deficient protein kinase 1; plus strand). Cytogenetic location: 12p13.33.
Variant type: Duplication.
Coding change: c.2219dup on transcript NM_213655.5 (MANE Plus Clinical); coding-DNA position 2219, one base duplicated (T; older notation c.2219dupT).
Protein change: p.Phe741fs; shifts the reading frame from phenylalanine 741.
Molecular consequence: frameshift variant. On other transcripts: intron variant (3).
Genome position (GRCh38, 1-based): chr12:865,189, T duplicated. VCF-style (leftmost placement, unchanged base first): chr12-865188-C-CT. GRCh37 (hg19) VCF-style: chr12-974354-C-CT.
Other names: p.Phe741Leufs*30; c.2219dup (NM_213655.4); c.2140-2677dup (NM_001184985.2); c.2139+2919dup (NM_018979.4, NM_014823.3); short protein forms F741fs.
Identifiers: ClinVar variation 1039744 (VCV001039744.9), dbSNP rs999299058, ClinGen allele CA231495591.